The following is an entry in ClinVar:

NM_000038.6(APC):c.3688del (p.Gln1230fs)

Gene: APC (APC regulator of Wnt signaling pathway; plus strand). Cytogenetic location: 5q22.2.
Variant type: Deletion.
Coding change: c.3688del on transcript NM_000038.6 (MANE Select); coding-DNA position 3688, one base deleted (C; older notation c.3688delC).
Protein change: p.Gln1230fs; shifts the reading frame from glutamine 1230.
Molecular consequence: frameshift variant.
Genome position (GRCh38, 1-based): chr5:112,839,282, C deleted. VCF-style (leftmost placement, unchanged base first): chr5-112839281-TC-T. GRCh37 (hg19) VCF-style: chr5-112174978-TC-T.
Other names: c.3688del, p.Gln1230fs (NM_001127510.3, NM_001354895.2); c.3634del, p.Gln1212fs (NM_001127511.3); c.3742del, p.Gln1248fs (NM_001354896.2); c.3718del, p.Gln1240fs (NM_001354897.2); c.3613del, p.Gln1205fs (NM_001354898.2); c.3604del, p.Gln1202fs (NM_001354899.2); c.3565del, p.Gln1189fs (NM_001354900.2); c.3511del, p.Gln1171fs (NM_001354901.2); and 6 more; short protein forms Q1070fs, Q1104fs, Q1129fs, Q1139fs, Q1171fs, Q1189fs, Q1202fs, Q1205fs.
Identifiers: ClinVar variation 1069775 (VCV001069775.12), dbSNP rs2149897052, ClinGen allele CA645543589.

ClinVar aggregate classification (germline): Pathogenic. Review status: criteria provided, multiple submitters, no conflicts (2 of 4 stars). 3 submissions from 3 submitters: Pathogenic (3). Last evaluated 2024-07-26.

Conditions:
Hereditary cancer-predisposing syndrome. Also called: Hereditary neoplastic syndrome; Tumor predisposition; Hereditary Cancer Syndrome; Neoplastic Syndromes, Hereditary. Identifiers: Orphanet 140162, MedGen C0027672, MeSH D009386, MONDO:0015356.
Familial adenomatous polyposis 1 (FAP1). Also called: FAMILIAL ADENOMATOUS POLYPOSIS 1, ATTENUATED; POLYPOSIS, ADENOMATOUS INTESTINAL. Identifiers: MedGen C2713442, MONDO:0021056, OMIM 175100. Disease mechanism: loss of function.

Submissions (3):

Ambry Genetics
Classification: Pathogenic for Hereditary cancer-predisposing syndrome. Last evaluated: 2024-07-26. Review status: criteria provided, single submitter. Criteria: Ambry Variant Classification Scheme 2023. Collection method: clinical testing. Allele origin: germline.
Comment: The c.3688delC pathogenic mutation, located in coding exon 15 of the APC gene, results from a deletion of one nucleotide at nucleotide position 3688, causing a translational frameshift with a predicted alternate stop codon (p.Q1230Sfs*35). This alteration occurs at the 3' terminus of theAPC gene, is not expected to trigger nonsense-mediated mRNA decay, and only impacts the last 57% of the protein. However, premature stop codons are typically deleterious in nature and a significant portion of the protein is affected (Ambry internal data). This variant has been observed in at least one individual with a personal and/or family history that is consistent with APC-associated disease (Ambry internal data). This variant is considered to be rare based on population cohorts in the Genome Aggregation Database (gnomAD). Based on the supporting evidence, this variant is interpreted as a disease-causing mutation.

Myriad Genetics, Inc.
Classification: Pathogenic for Familial adenomatous polyposis 1. Last evaluated: 2023-05-09. Review status: criteria provided, single submitter. Criteria: Myriad Autosomal Dominant, Autosomal Recessive and X-Linked Classification Criteria (2023). Collection method: clinical testing. Allele origin: unknown.
Comment: This variant is considered pathogenic. This variant creates a frameshift predicted to result in premature protein truncation.

Labcorp Genetics (formerly Invitae), Labcorp
Classification: Pathogenic for Familial adenomatous polyposis 1. Last evaluated: 2023-05-02. Review status: criteria provided, single submitter. Criteria: Invitae Variant Classification Sherloc (09022015). Collection method: clinical testing. Allele origin: germline.
Comment: This sequence change creates a premature translational stop signal (p.Gln1230Serfs*35) in the APC gene. While this is not anticipated to result in nonsense mediated decay, it is expected to disrupt the last 1614 amino acid(s) of the APC protein. For these reasons, this variant has been classified as Pathogenic. A different truncation (p.Tyr2645Lysfs*14) that lies downstream of this variant has been determined to be pathogenic (PMID: 9824584, 1316610, 27081525, 8381579, 22135120, Invitae). This suggests that deletion of this region of the APC protein is causative of disease. This variant is expected to disrupt the EB1 and HDLG binding sites, which mediate interactions with the cytoskeleton (PMID: 15311282, 17293347). While functional studies have not been performed to directly test the effect on APC protein function, this suggests that disruption of the C-terminal portion of the protein is functionally important. ClinVar contains an entry for this variant (Variation ID: 1069775). This variant has not been reported in the literature in individuals affected with APC-related conditions. This variant is not present in population databases (gnomAD no frequency).

Literature cited by the submitters: PubMed 9824584 (cited by Labcorp Genetics (formerly Invitae), Labcorp); PubMed 1316610 (cited by Labcorp Genetics (formerly Invitae), Labcorp); PubMed 27081525 (cited by Labcorp Genetics (formerly Invitae), Labcorp); PubMed 8381579 (cited by Labcorp Genetics (formerly Invitae), Labcorp); PubMed 22135120 (cited by Labcorp Genetics (formerly Invitae), Labcorp); PubMed 15311282 (cited by Labcorp Genetics (formerly Invitae), Labcorp); PubMed 17293347 (cited by Labcorp Genetics (formerly Invitae), Labcorp).